The following is an entry in ClinVar:

ClinVar aggregate classification (germline): Uncertain significance (1 of 4 stars; one submission).

Submission:

Labcorp Genetics (formerly Invitae), Labcorp
Classification: Uncertain significance. Last evaluated: 2023-07-28. Review status: criteria provided, single submitter. Criteria: Invitae Variant Classification Sherloc (09022015). Collection method: clinical testing. Allele origin: germline.
Comment: This sequence change replaces glycine, which is neutral and non-polar, with valine, which is neutral and non-polar, at codon 1501 of the POLE protein (p.Gly1501Val). This variant is not present in population databases (gnomAD no frequency). This variant has not been reported in the literature in individuals affected with POLE-related conditions. Advanced modeling of protein sequence and biophysical properties (such as structural, functional, and spatial information, amino acid conservation, physicochemical variation, residue mobility, and thermodynamic stability) performed at Invitae indicates that this missense variant is not expected to disrupt POLE protein function. In summary, the available evidence is currently insufficient to determine the role of this variant in disease. Therefore, it has been classified as a Variant of Uncertain Significance.

NM_006231.4(POLE):c.4502G>T (p.Gly1501Val)

Gene: POLE (DNA polymerase epsilon, catalytic subunit; minus strand). Cytogenetic location: 12q24.33.
Variant type: single nucleotide variant.
Coding change: c.4502G>T on transcript NM_006231.4 (MANE Select); coding-DNA position 4502, G replaced by T.
Protein change: p.Gly1501Val; replaces glycine 1501 with valine.
Molecular consequence: missense variant.
Genome position (GRCh38, 1-based): chr12:132,643,273, C>A on the plus strand (G>T on the coding strand, the complement: POLE is on the minus strand). VCF-style: chr12-132643273-C-A. GRCh37 (hg19) VCF-style: chr12-133219859-C-A.
Other names: short protein forms G1501V.
Identifiers: ClinVar variation 2747745 (VCV002747745.3), dbSNP rs2138546674, ClinGen allele CA387380512.